The following is an entry in ClinVar:

ClinVar aggregate classification (germline): Likely pathogenic (1 of 4 stars; one submission).

Conditions:
Epidermolytic palmoplantar keratoderma, 1 (EPPK1). Also called: TYLOSIS; PALMOPLANTAR KERATODERMA, EPIDERMOLYTIC, WITH KNUCKLE PADS. Identifiers: Orphanet 2199, MedGen CN377798, MONDO:0007758, OMIM 144200.

Submission:

3billion
Classification: Likely pathogenic for Epidermolytic palmoplantar keratoderma, 1. Last evaluated: 2025-07-28. Review status: criteria provided, single submitter. Criteria: ACMG Guidelines, 2015. Collection method: clinical testing. Allele origin: germline. Affected: yes.
Comment: The variant is not observed in the gnomAD v4.1.0 dataset. Predicted Consequence/Location: The variant is located in a mutational hot spot and/or well-established functional domain in which established pathogenic variants have been reported. Missense variant. Missense changes are a common disease-causing mechanism. In silico tool predictions suggest damaging effect of the variant on gene or gene product [REVEL: 0.94 (>=0.6, sensitivity 0.68 and specificity 0.92); 3Cnet: 0.91 (> 0.75, sensitivity 0.96 and precision 0.92)]. A different missense change at the same codon (p.Tyr167Ser) has been reported to be associated with KRT9-related disorder (ClinVar ID: VCV001687438 /3billion dataset). Therefore, this variant is classified as Likely pathogenic according to the recommendation of ACMG/AMP guideline.

NM_000226.4(KRT9):c.499T>A (p.Tyr167Asn)

Gene: KRT9 (keratin 9; minus strand). Cytogenetic location: 17q21.2.
Variant type: single nucleotide variant.
Coding change: c.499T>A on transcript NM_000226.4 (MANE Select); coding-DNA position 499, T replaced by A.
Protein change: p.Tyr167Asn; replaces tyrosine 167 with asparagine.
Molecular consequence: missense variant.
Genome position (GRCh38, 1-based): chr17:41,571,494, A>T on the plus strand (T>A on the coding strand, the complement: KRT9 is on the minus strand). VCF-style: chr17-41571494-A-T. GRCh37 (hg19) VCF-style: chr17-39727746-A-T.
Other names: short protein forms Y167N.
Identifiers: ClinVar variation 4856119 (VCV004856119.1).